The following is an entry in ClinVar:

NM_004429.5(EFNB1):c.434T>C (p.Leu145Pro)

Gene: EFNB1 (ephrin B1; plus strand). Cytogenetic location: Xq13.1.
Variant type: single nucleotide variant.
Coding change: c.434T>C on transcript NM_004429.5 (MANE Select); coding-DNA position 434, T replaced by C.
Protein change: p.Leu145Pro; replaces leucine 145 with proline.
Molecular consequence: missense variant.
Genome position (GRCh38, 1-based): chrX:68,839,691, T>C. VCF-style: chrX-68839691-T-C. GRCh37 (hg19) VCF-style: chrX-68059534-T-C.
Other names: short protein forms L145P.
Identifiers: ClinVar variation 4854303 (VCV004854303.1).

ClinVar aggregate classification (germline): Uncertain significance (1 of 4 stars; one submission).

Conditions:
Craniofrontonasal syndrome (CFNS). Also called: CRANIOFRONTONASAL DYSOSTOSIS. Identifiers: Orphanet 1520, MedGen C0220767, MONDO:0010570, OMIM 304110.

Submission:

3billion
Classification: Uncertain significance for Craniofrontonasal syndrome. Last evaluated: 2025-07-14. Review status: criteria provided, single submitter. Criteria: ACMG Guidelines, 2015. Collection method: clinical testing. Allele origin: germline. Affected: yes.
Comment: The variant is not observed in the gnomAD v4.1.0 dataset. Predicted Consequence/Location: Missense variant In silico tool predictions suggest damaging effect of the variant on gene or gene product [REVEL: 0.86 (>=0.6, sensitivity 0.68 and specificity 0.92); 3Cnet: 0.84 (> 0.75, sensitivity 0.96 and precision 0.92)]. Therefore, this variant is classified as VUS according to the recommendation of ACMG/AMP guideline.